The following is an entry in ClinVar:

NC_000008.10:g.(?_90955471)_(90983528_?)dup

Genes: NBN (nibrin; minus strand), LOC126860438 (MED14-independent group 3 enhancer GRCh37_chr8:90959982-90961181; plus strand). Cytogenetic location: 8q21.3.
Variant type: Duplication.
Identifiers: ClinVar variation 584250 (VCV000584250.6).

ClinVar aggregate classification (germline): Likely pathogenic (1 of 4 stars; one submission).

Conditions:
Microcephaly, normal intelligence and immunodeficiency (NBS). Also called: Ataxia telangiectasia variant V1; SEEMANOVA SYNDROME II; Immunodeficiency, microcephaly with normal intelligence; Nijmegen breakage syndrome; Microcephaly with normal intelligence immunodeficiency and lymphoreticular malignancies; Nonsyndromal microcephaly autosomal recessive with normal intelligence. Identifiers: Orphanet 647, MedGen C0398791, MONDO:0009623, OMIM 251260.

Submission:

Labcorp Genetics (formerly Invitae), Labcorp
Classification: Likely pathogenic for Microcephaly, normal intelligence and immunodeficiency. Last evaluated: 2021-12-08. Review status: criteria provided, single submitter. Criteria: Invitae Variant Classification Sherloc (09022015). Collection method: clinical testing. Allele origin: germline.
Comment: In summary, the currently available evidence indicates that the variant is pathogenic, but additional data are needed to prove that conclusively. Therefore, this variant has been classified as Likely Pathogenic. This variant has not been reported in the literature in individuals affected with NBN-related conditions. This variant results in a copy number gain of the genomic region encompassing exon(s) 6-14 of the NBN gene. While the exact position of this variant cannot be determined from the data, sub-genic copy number gains are generally in tandem (PMID: 25640679). This variant is predicted to be out-of-frame, and may result in an absent or disrupted protein product. Loss-of-function variants in NBN are known to be pathogenic (PMID: 9590180, 16415040).

Literature cited by the submitters: PubMed 25640679; PubMed 9590180; PubMed 16415040.